The following is an entry in ClinVar:

NM_000051.4(ATM):c.5596G>A (p.Val1866Ile)

Gene: ATM (ATM serine/threonine kinase; plus strand). Cytogenetic location: 11q22.3.
Variant type: single nucleotide variant.
Coding change: c.5596G>A on transcript NM_000051.4 (MANE Select); coding-DNA position 5596, G replaced by A.
Protein change: p.Val1866Ile; replaces valine 1866 with isoleucine.
Molecular consequence: missense variant.
Genome position (GRCh38, 1-based): chr11:108,304,774, G>A. VCF-style: chr11-108304774-G-A. GRCh37 (hg19) VCF-style: chr11-108175501-G-A.
Other names: c.5596G>A, p.Val1866Ile (NM_001351834.2); short protein forms V1866I.
Identifiers: ClinVar variation 628450 (VCV000628450.16), dbSNP rs1468995507, ClinGen allele CA382546205.

ClinVar aggregate classification (germline): Conflicting classifications of pathogenicity. Review status: criteria provided, conflicting classifications (1 of 4 stars). 5 submissions from 5 submitters: Uncertain significance (3); Likely benign (2). Last evaluated 2025-11-04.

Conditions:
Hereditary cancer-predisposing syndrome. Also called: Tumor predisposition; Neoplastic Syndromes, Hereditary; Hereditary Cancer Syndrome; Hereditary neoplastic syndrome. Identifiers: Orphanet 140162, MedGen C0027672, MeSH D009386, MONDO:0015356.
Familial cancer of breast. Also called: BREAST CANCER, FAMILIAL; Hereditary breast cancer; hereditary breast carcinoma. Identifiers: Orphanet 227535, MedGen C0346153, MONDO:0016419, OMIM 114480. Disease mechanism: loss of function.
Ataxia-telangiectasia syndrome (AT). Also called: ATAXIA-TELANGIECTASIA, COMPLEMENTATION GROUP A; ATAXIA-TELANGIECTASIA, FRESNO VARIANT; LOUIS-BAR SYNDROME; Ataxia telangiectasia (A-T); Cerebello-oculocutaneous telangiectasia; Immunodeficiency with ataxia telangiectasia. Identifiers: Orphanet 100, MedGen C0004135, MONDO:0008840, OMIM 208900.

Allele frequency attached by ClinVar (database versions not stated): gnomAD exomes below 0.00001; TOPMed below 0.00001; gnomAD 0.00001.
gnomAD v4.1: 2 of 1,613,826 alleles (0.00012%); highest among the groups gnomAD compares: Non-Finnish European, 0.00017%; no homozygotes.

Submissions (5):

Color Diagnostics, LLC DBA Color Health
Classification: Likely benign for Hereditary cancer-predisposing syndrome. Last evaluated: 2025-11-04. Review status: criteria provided, single submitter. Criteria: ACMG Guidelines, 2015. Collection method: clinical testing. Allele origin: germline.

Labcorp Genetics (formerly Invitae), Labcorp
Classification: Uncertain significance for Ataxia-telangiectasia syndrome. Last evaluated: 2025-09-03. Review status: criteria provided, single submitter. Criteria: Invitae Variant Classification Sherloc (09022015). Collection method: clinical testing. Allele origin: germline.
Comment: This sequence change replaces valine, which is neutral and non-polar, with isoleucine, which is neutral and non-polar, at codon 1866 of the ATM protein (p.Val1866Ile). This variant is not present in population databases (gnomAD no frequency). This variant has not been reported in the literature in individuals affected with ATM-related conditions. ClinVar contains an entry for this variant (Variation ID: 628450). Invitae Evidence Modeling of protein sequence and biophysical properties (such as structural, functional, and spatial information, amino acid conservation, physicochemical variation, residue mobility, and thermodynamic stability) indicates that this missense variant is not expected to disrupt ATM protein function with a negative predictive value of 95%. In summary, the available evidence is currently insufficient to determine the role of this variant in disease. Therefore, it has been classified as a Variant of Uncertain Significance.

Department of Pathology and Laboratory Medicine, Sinai Health System
Classification: Uncertain significance for Familial cancer of breast. Last evaluated: 2022-03-21. Review status: criteria provided, single submitter. Criteria: ACMG Guidelines, 2015. Collection method: clinical testing. Allele origin: germline. Affected: yes.

GeneDx
Classification: Uncertain significance. Last evaluated: 2021-06-16. Review status: criteria provided, single submitter. Criteria: GeneDx Variant Classification Process June 2021. Collection method: clinical testing. Allele origin: germline. Affected: yes.
Comment: Not observed at significant frequency in large population cohorts (Lek et al., 2016); In silico analysis supports that this missense variant does not alter protein structure/function; Has not been previously published as pathogenic or benign to our knowledge; This variant is associated with the following publications: (PMID: 27535533)

Ambry Genetics
Classification: Likely benign for Hereditary cancer-predisposing syndrome. Last evaluated: 2019-06-02. Review status: criteria provided, single submitter. Criteria: Ambry Variant Classification Scheme 2023. Collection method: clinical testing. Allele origin: germline.